The following is an entry in ClinVar:

NM_004667.6(HERC2):c.406T>G (p.Ser136Ala)

Gene: HERC2 (HECT and RLD domain containing E3 ubiquitin protein ligase 2; minus strand). Cytogenetic location: 15q13.1.
Variant type: single nucleotide variant.
Coding change: c.406T>G on transcript NM_004667.6 (MANE Select); coding-DNA position 406, T replaced by G.
Protein change: p.Ser136Ala; replaces serine 136 with alanine.
Molecular consequence: missense variant.
Genome position (GRCh38, 1-based): chr15:28,280,204, A>C on the plus strand (T>G on the coding strand, the complement: HERC2 is on the minus strand). VCF-style: chr15-28280204-A-C. GRCh37 (hg19) VCF-style: chr15-28525350-A-C.
Other names: c.406T>G (NM_004667.4, NM_004667.5); short protein forms S136A.
Identifiers: ClinVar variation 872642 (VCV000872642.44), dbSNP rs751003786, ClinGen allele CA7443709.

ClinVar aggregate classification (germline): Uncertain significance. Review status: criteria provided, multiple submitters, no conflicts (2 of 4 stars). 4 submissions from 4 submitters: Uncertain significance (4). Last evaluated 2024-11-26.

Conditions:
Inborn genetic diseases. Identifiers: MedGen C0950123, MeSH D030342.

Allele frequency attached by ClinVar (database versions not stated): ExAC 0.00002; gnomAD 0.00003 and 0.00004; gnomAD exomes 0.00003 and 0.00004; TOPMed 0.00008.
gnomAD v4.1: 45 of 1,614,052 alleles (0.0028%); highest among the groups gnomAD compares: Admixed American, 0.012%; no homozygotes.

Submissions (4):

Ambry Genetics
Classification: Uncertain significance for Inborn genetic diseases. Last evaluated: 2024-11-26. Review status: criteria provided, single submitter. Criteria: Ambry Variant Classification Scheme 2023. Collection method: clinical testing. Allele origin: germline.

GeneDx
Classification: Uncertain significance. Last evaluated: 2024-11-03. Review status: criteria provided, single submitter. Criteria: GeneDx Variant Classification Process June 2021. Collection method: clinical testing. Allele origin: germline. Affected: yes.
Comment: In silico analysis indicates that this missense variant does not alter protein structure/function; Has not been previously published as pathogenic or benign to our knowledge

Greenwood Genetic Center Diagnostic Laboratories, Greenwood Genetic Center
Classification: Uncertain significance. Last evaluated: 2023-08-14. Review status: criteria provided, single submitter. Criteria: ACMG Guidelines, 2015. Collection method: clinical testing. Allele origin: germline. Affected: yes.
Comment: PM2

CeGaT Center for Human Genetics Tuebingen
Classification: Uncertain significance. Last evaluated: 2019-11-01. Review status: criteria provided, single submitter. Criteria: CeGaT Center For Human Genetics Tuebingen Variant Classification Criteria Version 2. Collection method: clinical testing. Allele origin: germline. Affected: yes. Observed: 3 variant alleles.